The following is an entry in ClinVar:

ClinVar aggregate classification (germline): Conflicting classifications of pathogenicity. Review status: criteria provided, conflicting classifications (1 of 4 stars). 2 submissions from 2 submitters: Uncertain significance (1); Likely benign (1). Last evaluated 2025-05-16.

Conditions:
Hereditary cancer-predisposing syndrome. Also called: Neoplastic Syndromes, Hereditary; Tumor predisposition; Hereditary neoplastic syndrome; Hereditary Cancer Syndrome. Identifiers: Orphanet 140162, MedGen C0027672, MeSH D009386, MONDO:0015356.
Hereditary nonpolyposis colorectal neoplasms. Identifiers: MedGen C0009405, MeSH D003123.

Submissions (2):

Ambry Genetics
Classification: Uncertain significance for Hereditary cancer-predisposing syndrome. Last evaluated: 2025-05-16. Review status: criteria provided, single submitter. Criteria: Ambry Variant Classification Scheme 2023. Collection method: clinical testing. Allele origin: germline.
Comment: The p.R1035P variant (also known as c.3104G>C), located in coding exon 4 of the MSH6 gene, results from a G to C substitution at nucleotide position 3104. The arginine at codon 1035 is replaced by proline, an amino acid with dissimilar properties. This amino acid position is highly conserved in available vertebrate species. In addition, this alteration is predicted to be deleterious by in silico analysis. Based on the available evidence, the clinical significance of this variant remains unclear.

Labcorp Genetics (formerly Invitae), Labcorp
Classification: Likely benign for Hereditary nonpolyposis colorectal neoplasms. Last evaluated: 2025-04-21. Review status: criteria provided, single submitter. Criteria: Invitae Variant Classification Sherloc (09022015). Collection method: clinical testing. Allele origin: germline.

NM_000179.3(MSH6):c.3104G>C (p.Arg1035Pro)

Gene: MSH6 (mutS homolog 6; plus strand). Cytogenetic location: 2p16.3.
Variant type: single nucleotide variant.
Coding change: c.3104G>C on transcript NM_000179.3 (MANE Select); coding-DNA position 3104, G replaced by C.
Protein change: p.Arg1035Pro; replaces arginine 1035 with proline.
Molecular consequence: missense variant.
Genome position (GRCh38, 1-based): chr2:47,801,087, G>C. VCF-style: chr2-47801087-G-C. GRCh37 (hg19) VCF-style: chr2-48028226-G-C.
Other names: c.2714G>C, p.Arg905Pro (NM_001281492.2); c.2198G>C, p.Arg733Pro (NM_001281493.2, NM_001281494.2); short protein forms R1035P, R733P, R905P.
Identifiers: ClinVar variation 643892 (VCV000643892.10), dbSNP rs730881801, ClinGen allele CA070069.